The following is an entry in ClinVar:

ClinVar aggregate classification (germline): Benign/Likely benign. Review status: criteria provided, multiple submitters, no conflicts (2 of 4 stars). 4 submissions from 4 submitters: Benign (1); Likely benign (1). 2 of the submissions do not count toward it. Last evaluated 2026-05-01.

Conditions:
Optic atrophy. Identifiers: MedGen C0029124, MONDO:0003608, HP:0000648.
SEMA6B-related disorder. Also called: SEMA6B-related condition.
Inborn genetic diseases. Identifiers: MedGen C0950123, MeSH D030342.

Allele frequency attached by ClinVar (database versions not stated): 1000 Genomes Project 0.00040; 1000 Genomes Project 30x 0.00062; TOPMed 0.00098; gnomAD 0.00106; gnomAD exomes 0.00197; ExAC 0.00262.
gnomAD v4.1: 2,358 of 1,274,816 alleles (0.18%); highest among the groups gnomAD compares: Non-Finnish European, 0.22%; 4 homozygotes.

Submissions (4):

CeGaT Center for Human Genetics Tuebingen
Classification: Benign. Last evaluated: 2026-05-01. Review status: criteria provided, single submitter. Criteria: CeGaT Center For Human Genetics Tuebingen Variant Classification Criteria Version 2. Collection method: clinical testing. Allele origin: germline. Affected: yes. Observed: 5 variant alleles.
Comment: SEMA6B: BS1, BS2

Ambry Genetics
Classification: Likely benign for Inborn genetic diseases. Last evaluated: 2021-07-14. Review status: criteria provided, single submitter. Criteria: Ambry Variant Classification Scheme 2023. Collection method: clinical testing. Allele origin: germline.

PreventionGenetics, part of Exact Sciences
Classification: Likely benign for SEMA6B-related condition. Last evaluated: 2022-02-04. Review status: no assertion criteria provided. Collection method: clinical testing. Allele origin: germline. Not counted in ClinVar's aggregate classification.
Comment: This variant is classified as likely benign based on ACMG/AMP sequence variant interpretation guidelines (Richards et al. 2015 PMID: 25741868, with internal and published modifications).

Institute of Human Genetics, Univ. Regensburg, Univ. Regensburg
Classification: Uncertain significance for Optic atrophy. Last evaluated: 2022-01-01. Review status: no assertion criteria provided. Criteria: ACMG Guidelines, 2015. Collection method: clinical testing. Allele origin: germline. Affected: yes. Not counted in ClinVar's aggregate classification.

NM_032108.4(SEMA6B):c.2053A>G (p.Met685Val)

Gene: SEMA6B (semaphorin 6B; minus strand). Cytogenetic location: 19p13.3.
Variant type: single nucleotide variant.
Coding change: c.2053A>G on transcript NM_032108.4 (MANE Select); coding-DNA position 2053, A replaced by G.
Protein change: p.Met685Val; replaces methionine 685 with valine.
Molecular consequence: missense variant.
Genome position (GRCh38, 1-based): chr19:4,544,215, T>C on the plus strand (A>G on the coding strand, the complement: SEMA6B is on the minus strand). VCF-style: chr19-4544215-T-C. GRCh37 (hg19) VCF-style: chr19-4544227-T-C.
Other names: short protein forms M685V.
Identifiers: ClinVar variation 2349539 (VCV002349539.27), dbSNP rs540853448, ClinGen allele CA9102267.